The following is an entry in ClinVar:

ClinVar aggregate classification (germline): Likely benign (1 of 4 stars; one submission).

Conditions:
SH2B1-related disorder. Also called: SH2B1-related condition.

Submission:

PreventionGenetics, part of Exact Sciences
Classification: Likely benign for SH2B1-related condition. Last evaluated: 2026-02-12. Review status: criteria provided, single submitter. Criteria: ACMG Guidelines, 2015. Collection method: clinical testing. Allele origin: germline.
Comment: This variant is classified as likely benign based on ACMG/AMP sequence variant interpretation guidelines (Richards et al. 2015 PMID: 25741868, with internal and published modifications).

NM_001387430.1(SH2B1):c.1728C>T (p.His576=)

Gene: SH2B1 (SH2B adaptor protein 1; plus strand). Cytogenetic location: 16p11.2.
Variant type: single nucleotide variant.
Coding change: c.1728C>T on transcript NM_001387430.1 (MANE Select); coding-DNA position 1728, C replaced by T.
Protein change: p.His576=; no amino-acid change (histidine 576 retained).
Molecular consequence: synonymous variant.
Genome position (GRCh38, 1-based): chr16:28,872,536, C>T. VCF-style: chr16-28872536-C-T. GRCh37 (hg19) VCF-style: chr16-28883857-C-T.
Other names: c.1728C>T, p.His576= (NM_001145795.2, NM_001145796.2, NM_001145797.2 and 4 more transcripts); c.720C>T, p.His240= (NM_001308294.2).
Identifiers: ClinVar variation 4992811 (VCV004992811.1).